The following is an entry in ClinVar:

ClinVar aggregate classification (germline): Uncertain significance. Review status: criteria provided, multiple submitters, no conflicts (2 of 4 stars). 2 submissions from 2 submitters: Uncertain significance (2). Last evaluated 2025-10-20.

Conditions:
Worth disease. Also called: ENDOSTEAL HYPEROSTOSIS, AUTOSOMAL DOMINANT; OSTEOSCLEROSIS, AUTOSOMAL DOMINANT; Autosomal dominant osteosclerosis, Worth type. Identifiers: Orphanet 2790, MedGen C0432273, MONDO:0007764, OMIM 144750.
Bone mineral density quantitative trait locus 1 (BMND1). Identifiers: MedGen C1866079, OMIM 601884.
Autosomal dominant osteopetrosis 1 (OPTA1). Also called: OSTEOPETROSIS, AUTOSOMAL DOMINANT, TYPE I. Identifiers: Orphanet 2783, MedGen C1843330, MONDO:0011877, OMIM 607634.
Osteoporosis with pseudoglioma (OPPG). Also called: osteoporosis-pseudoglioma syndrome. Identifiers: Orphanet 2788, MedGen C0432252, MONDO:0009820, OMIM 259770.
Exudative vitreoretinopathy 4 (EVR4). Identifiers: Orphanet 891, MedGen C1866176, MONDO:0011151, OMIM 601813.
Polycystic liver disease 4 with or without kidney cysts. Identifiers: MedGen C4693479, MONDO:0044327, OMIM 617875.

Allele frequency attached by ClinVar (database versions not stated): gnomAD exomes below 0.00001; ExAC 0.00001; gnomAD 0.00001.
gnomAD v4.1: 2 of 1,614,054 alleles (0.00012%); highest among the groups gnomAD compares: Admixed American, 0.0033%; no homozygotes.

Submissions (2):

Labcorp Genetics (formerly Invitae), Labcorp
Classification: Uncertain significance. Last evaluated: 2025-10-20. Review status: criteria provided, single submitter. Criteria: Invitae Variant Classification Sherloc (09022015). Collection method: clinical testing. Allele origin: germline.
Comment: This sequence change replaces phenylalanine, which is neutral and non-polar, with leucine, which is neutral and non-polar, at codon 1516 of the LRP5 protein (p.Phe1516Leu). This variant is present in population databases (rs767785450, gnomAD 0.003%). This variant has not been reported in the literature in individuals affected with LRP5-related conditions. ClinVar contains an entry for this variant (Variation ID: 2006086). Invitae Evidence Modeling of protein sequence and biophysical properties (such as structural, functional, and spatial information, amino acid conservation, physicochemical variation, residue mobility, and thermodynamic stability) indicates that this missense variant is not expected to disrupt LRP5 protein function with a negative predictive value of 95%. In summary, the available evidence is currently insufficient to determine the role of this variant in disease. Therefore, it has been classified as a Variant of Uncertain Significance.

Fulgent Genetics
Classification: Uncertain significance for Worth disease; Osteoporosis with pseudoglioma; Exudative vitreoretinopathy 4; Bone mineral density quantitative trait locus 1; Autosomal dominant osteopetrosis 1; Polycystic liver disease 4 with or without kidney cysts. Last evaluated: 2024-04-23. Review status: criteria provided, single submitter. Criteria: ACMG Guidelines, 2015. Collection method: clinical testing. Allele origin: germline.

NM_002335.4(LRP5):c.4548C>A (p.Phe1516Leu)

Gene: LRP5 (LDL receptor related protein 5; plus strand). Cytogenetic location: 11q13.2.
Variant type: single nucleotide variant.
Coding change: c.4548C>A on transcript NM_002335.4 (MANE Select); coding-DNA position 4548, C replaced by A.
Protein change: p.Phe1516Leu; replaces phenylalanine 1516 with leucine.
Molecular consequence: missense variant.
Genome position (GRCh38, 1-based): chr11:68,446,495, C>A. VCF-style: chr11-68446495-C-A. GRCh37 (hg19) VCF-style: chr11-68213963-C-A.
Other names: c.2805C>A, p.Phe935Leu (NM_001291902.2); short protein forms F935L, F1516L.
Identifiers: ClinVar variation 2006086 (VCV002006086.5), dbSNP rs767785450, ClinGen allele CA6150422.